The following is an entry in ClinVar:

ClinVar aggregate classification (germline): Pathogenic/Likely pathogenic. Review status: criteria provided, multiple submitters, no conflicts (2 of 4 stars). 5 submissions from 5 submitters: Pathogenic (1); Likely pathogenic (2). 2 of the submissions do not count toward it. Last evaluated 2025-12-24.

Conditions:
Autosomal recessive nonsyndromic hearing loss 3. Also called: NEUROSENSORY NONSYNDROMIC RECESSIVE DEAFNESS 3. Identifiers: Orphanet 90636, MedGen C1838263, MONDO:0010860, OMIM 600316.
MYO15A-related disorder. Also called: MYO15A-related condition.

Allele frequency attached by ClinVar (database versions not stated): gnomAD exomes below 0.00001; gnomAD 0.00003 and 0.00004; TOPMed 0.00003.

Submissions (5):

Labcorp Genetics (formerly Invitae), Labcorp
Classification: Pathogenic. Last evaluated: 2025-12-24. Review status: criteria provided, single submitter. Criteria: Invitae Variant Classification Sherloc (09022015). Collection method: clinical testing. Allele origin: germline.
Comment: This sequence change is expected to alter the c-terminus of the MYO15A protein (p.Ser3525Alafs*29). While this is not anticipated to result in nonsense mediated decay, it is expected to disrupt the last 6 amino acid(s) of the MYO15A protein and extend the protein by 22 additional amino acid residues. This variant is present in population databases (no rsID available, gnomAD 0.02%). This frameshift has been observed in individual(s) with deafness (PMID: 17851452). It has also been observed to segregate with disease in related individuals. ClinVar contains an entry for this variant (Variation ID: 6961). For these reasons, this variant has been classified as Pathogenic.

GeneDx
Classification: Likely pathogenic. Last evaluated: 2022-11-18. Review status: criteria provided, single submitter. Criteria: GeneDx Variant Classification Process June 2021. Collection method: clinical testing. Allele origin: germline. Affected: yes.
Comment: Frameshift variant predicted to result in protein elongation as the last 6 amino acids are lost and replaced with 28 incorrect amino acids; This variant is associated with the following publications: (PMID: 17851452, 34652575)

Fulgent Genetics
Classification: Likely pathogenic for Autosomal recessive nonsyndromic hearing loss 3. Last evaluated: 2022-05-20. Review status: criteria provided, single submitter. Criteria: ACMG Guidelines, 2015. Collection method: clinical testing. Allele origin: unknown.

PreventionGenetics, part of Exact Sciences
Classification: Likely pathogenic for MYO15A-related condition. Last evaluated: 2024-06-06. Review status: no assertion criteria provided. Collection method: clinical testing. Allele origin: germline. Not counted in ClinVar's aggregate classification.
Comment: The MYO15A c.10573delA variant is predicted to result in a frameshift and premature protein termination (p.Ser3525Alafs*29). This variant was reported as pathogenic for autosomal recessive non-syndromic deafness (Lezirovitz et al. 2008. PubMed ID: 17851452). This variant is reported in 0.023% of alleles in individuals of African descent in gnomAD. Frameshift variants in MYO15A are expected to be pathogenic. This variant is interpreted as likely pathogenic.

OMIM
Classification: Pathogenic for DEAFNESS, AUTOSOMAL RECESSIVE 3. Last evaluated: 2008-01-01. Review status: no assertion criteria provided. Collection method: literature only. Allele origin: germline. Not counted in ClinVar's aggregate classification.

Literature cited by the submitters: PubMed 17851452 (cited by Labcorp Genetics (formerly Invitae), Labcorp and OMIM).

NM_016239.4(MYO15A):c.10573del (p.Ser3525fs)

Gene: MYO15A (myosin XVA; plus strand). Cytogenetic location: 17p11.2.
Variant type: Deletion.
Coding change: c.10573del on transcript NM_016239.4 (MANE Select); coding-DNA position 10573, one base deleted (A; older notation c.10573delA).
Protein change: p.Ser3525fs; shifts the reading frame from serine 3525.
Molecular consequence: frameshift variant.
Genome position (GRCh38, 1-based): chr17:18,178,850, A deleted. VCF-style (leftmost placement, unchanged base first): chr17-18178849-CA-C. GRCh37 (hg19) VCF-style: chr17-18082163-CA-C.
Other names: c.10573delA (NM_016239.3); short protein forms S3525fs.
Identifiers: ClinVar variation 6961 (VCV000006961.8), dbSNP rs1270302810, ClinGen allele CA625048817.
Genomic context (GRCh38, chr17:18,178,849, plus strand): 5'-GGTGGCCGTGCACGTGGAGAACCTGCTCAGTGCCCATGAGAAGCGGCTCACATTGCCCCC[CA>C]GCGAGATCACCCTGCTCTGACCCAGCCCCCAGCCCTCCAGTACCTTCTGCCAGAAGACTC-3'